The following is an entry in ClinVar:

NM_001127222.2(CACNA1A):c.7452G>T (p.Arg2484Ser)

Gene: CACNA1A (calcium voltage-gated channel subunit alpha1 A; minus strand). Cytogenetic location: 19p13.13.
Variant type: single nucleotide variant.
Coding change: c.7452G>T on transcript NM_001127222.2 (MANE Select); coding-DNA position 7452, G replaced by T.
Protein change: p.Arg2484Ser; replaces arginine 2484 with serine.
Molecular consequence: missense variant. On other transcripts: 3 prime UTR variant (3).
Genome position (GRCh38, 1-based): chr19:13,207,382, C>A on the plus strand (G>T on the coding strand, the complement: CACNA1A is on the minus strand). VCF-style: chr19-13207382-C-A. GRCh37 (hg19) VCF-style: chr19-13318196-C-A.
Other names: c.*664G>T (NM_000068.4, NM_001127221.2, NM_001174080.2); c.7470G>T, p.Arg2490Ser (NM_023035.3); short protein forms R2484S, R2490S.
Identifiers: ClinVar variation 3389071 (VCV003389071.14).

ClinVar aggregate classification (germline): Uncertain significance (1 of 4 stars; one submission).

gnomAD v4.1: 10 of 1,543,950 alleles (0.00065%); highest among the groups gnomAD compares: Admixed American, 0.0076%; no homozygotes.

Submission:

CeGaT Center for Human Genetics Tuebingen
Classification: Uncertain significance. Last evaluated: 2026-03-01. Review status: criteria provided, single submitter. Criteria: CeGaT Center For Human Genetics Tuebingen Variant Classification Criteria Version 2. Collection method: clinical testing. Allele origin: germline. Affected: yes. Observed: 2 variant alleles.
Comment: CACNA1A: PP3